The following is an entry in ClinVar:

ClinVar aggregate classification (germline): Likely pathogenic (1 of 4 stars; one submission).

Conditions:
Lissencephaly 9 with complex brainstem malformation. Identifiers: Orphanet 572013, MedGen C5193029, MONDO:0032677, OMIM 618325.

Submission:

Center for Human Genetics and Genomic Medicine, Uniklinik Rwth Aachen
Classification: Likely pathogenic for Lissencephaly 9 with complex brainstem malformation. Last evaluated: 2024-02-19. Review status: criteria provided, single submitter. Criteria: ACMG Guidelines, 2015. Collection method: clinical testing. Allele origin: de novo. Inheritance: Autosomal dominant inheritance. Affected: yes. Observed: 1 heterozygote.
Comment: The detected change is not reported in the general population (gnomAD) (as of February 19, 2024). It has not yet been described in the ClinVar database or in the literature. The variant lies in the canonical splice site and most likely leads to altered splicing. Since the affected exon 89 is an in-frame exon, the reading frame is very likely preserved. The change should therefore not be viewed as a “loss-of-function” change. The variant affects the GAR domain of MACF1. A missense variant located in exon 89 within the zinc ion binding pocket of the GAR domain has already been reported as pathogenic in the literature (Dobyns et al., 2018). Bioinformatic prediction programs predict a pathogenic effect of this change (CADDphred 34). The variant is currently considered a “likely pathogenic variant” (ACMG criteria).

NM_001394062.1(MACF1):c.21679-2A>G

Gene: MACF1 (microtubule actin crosslinking factor 1; plus strand). Cytogenetic location: 1p34.3.
Variant type: single nucleotide variant.
Coding change: c.21679-2A>G on transcript NM_001394062.1 (MANE Select); the canonical splice acceptor site of the intron before coding-DNA position 21679, A replaced by G.
Molecular consequence: splice acceptor variant.
Genome position (GRCh38, 1-based): chr1:39,463,610, A>G. VCF-style: chr1-39463610-A-G. GRCh37 (hg19) VCF-style: chr1-39929282-A-G.
Other names: c.15502-2A>G (NM_012090.5); c.9757-2A>G (NM_001397473.1).
Identifiers: ClinVar variation 3024134 (VCV003024134.2), dbSNP rs2523351526, ClinGen allele CA339774576.
Genomic context (GRCh38, chr1:39,463,610, plus strand): 5'-TTTCTCTGAATAGGAAGTTTTGCTCTACCCTTTACACTTTCCTTTTTGTTCACACCCAAT[A>G]GGTTACAAGACAAGTGGCTCAGTGCAAATGTGCAAAAAGGTTTCAGGTGGAGCAGATCGG-3'